The following is an entry in ClinVar:

NM_000321.3(RB1):c.368A>G (p.Asn123Ser)

Gene: RB1 (RB transcriptional corepressor 1; plus strand). Cytogenetic location: 13q14.2.
Variant type: single nucleotide variant.
Coding change: c.368A>G on transcript NM_000321.3 (MANE Select); coding-DNA position 368, A replaced by G.
Protein change: p.Asn123Ser; replaces asparagine 123 with serine.
Molecular consequence: missense variant.
Genome position (GRCh38, 1-based): chr13:48,342,702, A>G. VCF-style: chr13-48342702-A-G. GRCh37 (hg19) VCF-style: chr13-48916838-A-G.
Other names: c.368A>G (NM_000321.2); short protein forms N123S.
Identifiers: ClinVar variation 1466656 (VCV001466656.7), dbSNP rs2138084066, ClinGen allele CA388252548.

ClinVar aggregate classification (germline): Conflicting classifications of pathogenicity. Review status: criteria provided, conflicting classifications (1 of 4 stars). 2 submissions from 2 submitters: Uncertain significance (1); Likely benign (1). Last evaluated 2026-07-01.

Conditions:
Hereditary cancer-predisposing syndrome. Also called: Hereditary Cancer Syndrome; Tumor predisposition; Neoplastic Syndromes, Hereditary; Hereditary neoplastic syndrome. Identifiers: Orphanet 140162, MedGen C0027672, MeSH D009386, MONDO:0015356.
Retinoblastoma (RB1). Also called: RETINOBLASTOMA, SOMATIC. Identifiers: Orphanet 790, MedGen C0035335, MeSH D012175, MONDO:0008380, OMIM 180200, HP:0009919. Disease mechanism: loss of function. Inheritance: Both sporadic and heritable forms are tested..

Allele frequency attached by ClinVar (database versions not stated): gnomAD exomes below 0.00001.
gnomAD v4.1: 2 of 1,601,854 alleles (0.00012%); highest among the groups gnomAD compares: Non-Finnish European, 0.00017%; no homozygotes.

Submissions (2):

Ambry Genetics
Classification: Likely benign for Hereditary cancer-predisposing syndrome. Last evaluated: 2026-07-01. Review status: criteria provided, single submitter. Criteria: Ambry Variant Classification Scheme 2023. Collection method: clinical testing. Allele origin: germline.

Labcorp Genetics (formerly Invitae), Labcorp
Classification: Uncertain significance for Retinoblastoma. Last evaluated: 2022-07-12. Review status: criteria provided, single submitter. Criteria: Invitae Variant Classification Sherloc (09022015). Collection method: clinical testing. Allele origin: germline.
Comment: In summary, the available evidence is currently insufficient to determine the role of this variant in disease. Therefore, it has been classified as a Variant of Uncertain Significance. Algorithms developed to predict the effect of missense changes on protein structure and function output the following: SIFT: "Tolerated"; PolyPhen-2: "Benign"; Align-GVGD: "Class C0". The serine amino acid residue is found in multiple mammalian species, which suggests that this missense change does not adversely affect protein function. ClinVar contains an entry for this variant (Variation ID: 1466656). This variant has not been reported in the literature in individuals affected with RB1-related conditions. This variant is not present in population databases (gnomAD no frequency). This sequence change replaces asparagine, which is neutral and polar, with serine, which is neutral and polar, at codon 123 of the RB1 protein (p.Asn123Ser).